The following is an entry in ClinVar:

ClinVar aggregate classification (germline): Likely pathogenic (1 of 4 stars; one submission).

Conditions:
Becker muscular dystrophy (BMD). Also called: Becker Muscular Dystrophy (BMD); MUSCULAR DYSTROPHY, PSEUDOHYPERTROPHIC PROGRESSIVE, BECKER TYPE. Identifiers: Orphanet 98895, MedGen C0917713, MONDO:0010311, OMIM 300376.

Submission:

Genetics Department, Hospital De La Santa Creu I Sant Pau
Classification: Likely pathogenic for Becker muscular dystrophy. Last evaluated: 2024-11-13. Review status: criteria provided, single submitter. Criteria: ACMG Guidelines, 2015. Collection method: research, in vivo. Allele origin: unknown. Affected: yes. Functional consequence: splicing_variant.
Comment: Criteria applied: PVS1, PM2, PS3 (Richards et al, 2015)

NM_004006.3(DMD):c.1813-733A>G

Gene: DMD (dystrophin; minus strand). Cytogenetic location: Xp21.1.
Variant type: single nucleotide variant.
Coding change: c.1813-733A>G on transcript NM_004006.3 (MANE Select); 733 bases into the intron before coding-DNA position 1813, A replaced by G.
Molecular consequence: intron variant.
Genome position (GRCh38, 1-based): chrX:32,566,614, T>C on the plus strand (A>G on the coding strand, the complement: DMD is on the minus strand). VCF-style: chrX-32566614-T-C. GRCh37 (hg19) VCF-style: chrX-32584731-T-C.
Other names: c.1789-733A>G (NM_000109.4); c.1801-733A>G (NM_004009.3); c.1444-733A>G (NM_004010.3).
Identifiers: ClinVar variation 3573469 (VCV003573469.2).
Genomic context (GRCh38, chrX:32,566,614, plus strand): 5'-TAAGTCGCTGGGCATGACATAAATGCTTCAGCATCTCTTTTCAGAGTTTATAAATACTTA[T>C]GTGTCTTATGAAGCAATTTTTATACCATTTATATTTCCAAAGTTCCTGTGAGCTGTGGAG-3'